The following is an entry in ClinVar:

NM_005963.4(MYH1):c.3667A>G (p.Lys1223Glu)

Genes: MYH1 (myosin heavy chain 1; minus strand), MYHAS (myosin heavy chain gene cluster antisense RNA; plus strand). Cytogenetic location: 17p13.1.
Variant type: single nucleotide variant.
Coding change: c.3667A>G on transcript NM_005963.4 (MANE Select); coding-DNA position 3667, A replaced by G.
Protein change: p.Lys1223Glu; replaces lysine 1223 with glutamic acid.
Molecular consequence: missense variant.
Genome position (GRCh38, 1-based): chr17:10,501,181, T>C on the plus strand (A>G on the coding strand, the complement: MYH1 is on the minus strand). VCF-style: chr17-10501181-T-C. GRCh37 (hg19) VCF-style: chr17-10404498-T-C.
Other names: short protein forms K1223E.
Identifiers: ClinVar variation 4987895 (VCV004987895.1).

ClinVar aggregate classification (germline): Likely benign (1 of 4 stars; one submission).

Conditions:
MYH1-related disorder. Also called: MYH1-related condition.

gnomAD v4.1: 334 of 1,614,134 alleles (0.021%); highest among the groups gnomAD compares: African/African-American, 0.39%; 2 homozygotes.

Submission:

PreventionGenetics, part of Exact Sciences
Classification: Likely benign for MYH1-related condition. Last evaluated: 2025-12-23. Review status: criteria provided, single submitter. Criteria: ACMG Guidelines, 2015. Collection method: clinical testing. Allele origin: germline.
Comment: This variant is classified as likely benign based on ACMG/AMP sequence variant interpretation guidelines (Richards et al. 2015 PMID: 25741868, with internal and published modifications).